The following is an entry in ClinVar:

ClinVar aggregate classification (germline): Uncertain significance. Review status: criteria provided, multiple submitters, no conflicts (2 of 4 stars). 4 submissions from 4 submitters: Uncertain significance (3). 1 of the submissions does not count toward it. Last evaluated 2023-09-18.

Conditions:
Bardet-Biedl syndrome 10 (BBS10). Identifiers: Orphanet 110, MedGen C1859568, MONDO:0014438, OMIM 615987.
Bardet-Biedl syndrome (BBS). Identifiers: Orphanet 110, MedGen C0752166, MONDO:0015229.
BBS10-related disorder. Also called: BBS10-related condition.

Allele frequency attached by ClinVar (database versions not stated): gnomAD exomes 0.00001 and 0.00002; ExAC 0.00002; TOPMed 0.00006.
gnomAD v4.1: 21 of 1,611,532 alleles (0.0013%); highest among the groups gnomAD compares: African/African-American, 0.0094%; 1 homozygote.

Submissions (4):

PreventionGenetics, part of Exact Sciences
Classification: Uncertain significance for BBS10-related condition. Last evaluated: 2023-09-18. Review status: criteria provided, single submitter. Criteria: ACMG Guidelines, 2015. Collection method: clinical testing. Allele origin: germline.
Comment: The BBS10 c.1742C>T variant is predicted to result in the amino acid substitution p.Pro581Leu. To our knowledge, this variant has not been reported in the literature. This variant is reported in 0.017% of alleles in individuals of South Asian descent in gnomAD. At this time, the clinical significance of this variant is uncertain due to the absence of conclusive functional and genetic evidence.

Labcorp Genetics (formerly Invitae), Labcorp
Classification: Uncertain significance for Bardet-Biedl syndrome. Last evaluated: 2021-12-09. Review status: criteria provided, single submitter. Criteria: Invitae Variant Classification Sherloc (09022015). Collection method: clinical testing. Allele origin: germline.
Comment: This sequence change replaces proline, which is neutral and non-polar, with leucine, which is neutral and non-polar, at codon 581 of the BBS10 protein (p.Pro581Leu). This variant is present in population databases (rs762432475, gnomAD 0.02%). This variant has not been reported in the literature in individuals affected with BBS10-related conditions. ClinVar contains an entry for this variant (Variation ID: 862004). Algorithms developed to predict the effect of missense changes on protein structure and function output the following: SIFT: "Tolerated"; PolyPhen-2: "Benign"; Align-GVGD: "Class C0". The leucine amino acid residue is found in multiple mammalian species, which suggests that this missense change does not adversely affect protein function. In summary, the available evidence is currently insufficient to determine the role of this variant in disease. Therefore, it has been classified as a Variant of Uncertain Significance.

Fulgent Genetics
Classification: Uncertain significance for Bardet-Biedl syndrome 10. Last evaluated: 2021-10-14. Review status: criteria provided, single submitter. Criteria: ACMG Guidelines, 2015. Collection method: clinical testing. Allele origin: unknown.

Natera, Inc.
Classification: Uncertain significance for Bardet-Biedl syndrome type 10. Last evaluated: 2020-01-29. Review status: no assertion criteria provided. Collection method: clinical testing. Allele origin: germline. Not counted in ClinVar's aggregate classification.

NM_024685.4(BBS10):c.1742C>T (p.Pro581Leu)

Gene: BBS10 (Bardet-Biedl syndrome 10; minus strand). Cytogenetic location: 12q21.2.
Variant type: single nucleotide variant.
Coding change: c.1742C>T on transcript NM_024685.4 (MANE Select); coding-DNA position 1742, C replaced by T.
Protein change: p.Pro581Leu; replaces proline 581 with leucine.
Molecular consequence: missense variant.
Genome position (GRCh38, 1-based): chr12:76,346,243, G>A on the plus strand (C>T on the coding strand, the complement: BBS10 is on the minus strand). VCF-style: chr12-76346243-G-A. GRCh37 (hg19) VCF-style: chr12-76740023-G-A.
Other names: short protein forms P581L.
Identifiers: ClinVar variation 862004 (VCV000862004.5), dbSNP rs762432475, ClinGen allele CA6694113.